The following is an entry in ClinVar:

NM_003179.3(SYP):c.526A>G (p.Ile176Val)

Gene: SYP (synaptophysin; minus strand). Cytogenetic location: Xp11.23.
Variant type: single nucleotide variant.
Coding change: c.526A>G on transcript NM_003179.3 (MANE Select); coding-DNA position 526, A replaced by G.
Protein change: p.Ile176Val; replaces isoleucine 176 with valine.
Molecular consequence: missense variant.
Genome position (GRCh38, 1-based): chrX:49,193,361, T>C on the plus strand (A>G on the coding strand, the complement: SYP is on the minus strand). VCF-style: chrX-49193361-T-C. GRCh37 (hg19) VCF-style: chrX-49049818-T-C.
Other names: short protein forms I176V.
Identifiers: ClinVar variation 1030635 (VCV001030635.2), dbSNP rs2065517128, ClinGen allele CA412952813.

ClinVar aggregate classification (germline): Uncertain significance. Review status: criteria provided, multiple submitters, no conflicts (2 of 4 stars). 2 submissions from 2 submitters: Uncertain significance (2). Last evaluated 2025-05-29.

Conditions:
Intellectual developmental disorder, X-linked 96. Also called: Intellectual disability, X-linked 96. Identifiers: Orphanet 777, MedGen C3275408, MONDO:0010429, OMIM 300802.

Submissions (2):

GeneDx
Classification: Uncertain significance. Last evaluated: 2025-05-29. Review status: criteria provided, single submitter. Criteria: GeneDx Variant Classification Process June 2021. Collection method: clinical testing. Allele origin: germline. Affected: yes.
Comment: Not observed at significant frequency in large population cohorts (gnomAD); In silico analysis suggests that this missense variant does not alter protein structure/function; Has not been previously published as pathogenic or benign to our knowledge

Baylor Genetics
Classification: Uncertain significance for Intellectual developmental disorder, X-linked 96. Last evaluated: 2020-05-21. Review status: criteria provided, single submitter. Criteria: ACMG Guidelines, 2015. Collection method: clinical testing. Allele origin: unknown. Affected: yes.
Comment: This variant was determined to be of uncertain significance according to ACMG Guidelines, 2015 [PMID:25741868].